The following is an entry in ClinVar:

NM_000465.4(BARD1):c.2322T>A (p.Pro774=)

Gene: BARD1 (BRCA1 associated RING domain 1; minus strand). Cytogenetic location: 2q35.
Variant type: single nucleotide variant.
Coding change: c.2322T>A on transcript NM_000465.4 (MANE Select); coding-DNA position 2322, T replaced by A.
Protein change: p.Pro774=; no amino-acid change (proline 774 retained).
Molecular consequence: synonymous variant. On other transcripts: non-coding transcript variant (3).
Genome position (GRCh38, 1-based): chr2:214,728,688, A>T on the plus strand (T>A on the coding strand, the complement: BARD1 is on the minus strand). VCF-style: chr2-214728688-A-T. GRCh37 (hg19) VCF-style: chr2-215593412-A-T.
Other names: c.2265T>A, p.Pro755= (NM_001282543.2); c.969T>A, p.Pro323= (NM_001282545.2); c.912T>A, p.Pro304= (NM_001282548.2); c.783T>A, p.Pro261= (NM_001282549.2).
Identifiers: ClinVar variation 3378925 (VCV003378925.1).
Genomic context (GRCh38, chr2:214,728,688, plus strand): 5'-CTCACAAACCGTGCAAATTCAATTTGAAATGTTCATCTGGTATAATATTCAGCTGTCAAG[A>T]GGAAGCAACTCAAAGGACATCACACAGTCTATAAACCAGCTCGAAGGAGCCTTCCAGACT-3'
Protein context (NP_000456.2, residues 764-777): IDCVMSFELL[Pro774=]LDS

ClinVar aggregate classification (germline): Benign (1 of 4 stars; one submission).

Conditions:
Familial cancer of breast. Also called: hereditary breast carcinoma; Hereditary breast cancer; BREAST CANCER, FAMILIAL. Identifiers: Orphanet 227535, MedGen C0346153, MONDO:0016419, OMIM 114480. Disease mechanism: loss of function.

Submission:

Myriad Genetics, Inc.
Classification: Benign for Familial cancer of breast. Last evaluated: 2024-07-30. Review status: criteria provided, single submitter. Criteria: Myriad Autosomal Dominant, Autosomal Recessive and X-Linked Classification Criteria (2023). Collection method: clinical testing. Allele origin: unknown.
Comment: This variant is considered benign. This variant is a silent/synonymous amino acid change and it is not expected to impact splicing.